The following is an entry in ClinVar:

ClinVar aggregate classification (germline): Uncertain significance (1 of 4 stars; one submission).

Allele frequency attached by ClinVar (database versions not stated): gnomAD exomes below 0.00001.
gnomAD v4.1: 4 of 1,582,720 alleles (0.00025%); highest among the groups gnomAD compares: South Asian, 0.0011%; no homozygotes.

Submission:

Labcorp Genetics (formerly Invitae), Labcorp
Classification: Uncertain significance. Last evaluated: 2023-05-11. Review status: criteria provided, single submitter. Criteria: Invitae Variant Classification Sherloc (09022015). Collection method: clinical testing. Allele origin: germline.
Comment: In summary, the available evidence is currently insufficient to determine the role of this variant in disease. Therefore, it has been classified as a Variant of Uncertain Significance. Algorithms developed to predict the effect of missense changes on protein structure and function output the following: SIFT: "Not Available"; PolyPhen-2: "Benign"; Align-GVGD: "Not Available". The valine amino acid residue is found in multiple mammalian species, which suggests that this missense change does not adversely affect protein function. This variant has not been reported in the literature in individuals affected with DNA2-related conditions. This variant is not present in population databases (gnomAD no frequency). This sequence change replaces isoleucine, which is neutral and non-polar, with valine, which is neutral and non-polar, at codon 420 of the DNA2 protein (p.Ile420Val).

NM_001080449.3(DNA2):c.1258A>G (p.Ile420Val)

Gene: DNA2 (DNA replication helicase/nuclease 2; minus strand). Cytogenetic location: 10q21.3.
Variant type: single nucleotide variant.
Coding change: c.1258A>G on transcript NM_001080449.3 (MANE Select); coding-DNA position 1258, A replaced by G.
Protein change: p.Ile420Val; replaces isoleucine 420 with valine.
Molecular consequence: missense variant. On other transcripts: non-coding transcript variant (1).
Genome position (GRCh38, 1-based): chr10:68,443,074, T>C on the plus strand (A>G on the coding strand, the complement: DNA2 is on the minus strand). VCF-style: chr10-68443074-T-C. GRCh37 (hg19) VCF-style: chr10-70202831-T-C.
Other names: short protein forms I420V.
Identifiers: ClinVar variation 3022451 (VCV003022451.3), dbSNP rs2493954797, ClinGen allele CA376862144.
Genomic context (GRCh38, chr10:68,443,074, plus strand): 5'-ATTCTAAGTGTGTTTGCTTCAGATGCTGGGTTTCTTCTTCTATTTTGGGCAGCATCACAA[T>C]TGGGACTGAACTACAATCCATCTGTTGTTCAACTGCTCTAAATATAAAGTTCCAAGTTAG-3'
Protein context (NP_001073918.2, residues 410-430): EQQMDCSSVP[Ile420Val]VMLPKIEEET